The following is an entry in ClinVar:

NM_006949.4(STXBP2):c.824_825delinsAA (p.Arg275Gln)

Gene: STXBP2 (syntaxin binding protein 2; plus strand). Cytogenetic location: 19p13.2.
Variant type: Indel.
Coding change: c.824_825delinsAA on transcript NM_006949.4 (MANE Select); coding-DNA positions 824 to 825, GG replaced by AA.
Protein change: p.Arg275Gln; replaces arginine 275 with glutamine.
Molecular consequence: missense variant. On other transcripts: non-coding transcript variant (1).
Genome position (GRCh38, 1-based): chr19:7,642,458-7,642,459, GG replaced by AA. VCF-style: chr19-7642458-GG-AA. GRCh37 (hg19) VCF-style: chr19-7707344-GG-AA.
Other names: c.815_816delinsAA, p.Arg272Gln (NM_001127396.3); c.857_858delinsAA, p.Arg286Gln (NM_001272034.2); c.728_729delinsAA, p.Arg243Gln (NM_001414484.1); short protein forms R243Q, R272Q, R275Q, R286Q.
Identifiers: ClinVar variation 4082520 (VCV004082520.2).

ClinVar aggregate classification (germline): Uncertain significance (1 of 4 stars; one submission).

Submission:

Genetic Services Laboratory, University of Chicago
Classification: Uncertain significance. Last evaluated: 2024-10-01. Review status: criteria provided, single submitter. Criteria: ACMG Guidelines, 2015. Collection method: clinical testing. Allele origin: germline. Affected: no.
Comment: DNA sequence analysis of the STXBP2 gene demonstrated a deletion and insertion of 2 base pairs in exon 10, c.824_825delinsAA. This in-frame deletion/insertion is predicted to result in a missense change, p.Arg275Gln. This sequence change does not appear to have been previously described in individuals with STXBP2-related disorders and has also not been described in the population databases such as ExAC and gnomAD. The p.Arg275Gln change affects a moderately conserved amino acid residue located in a domain of the STXBP2 protein that is known to be functional. The p.Arg275Gln substitution appears to be benign using several in-silico pathogenicity prediction tools (SIFT, PolyPhen2, Align GVGD, REVEL). Due to insufficient evidence and the lack of functional studies, the clinical significance of the p.Arg275Gln change remains unknown at this time.